The following is an entry in ClinVar:

NM_000404.4(GLB1):c.203G>A (p.Arg68Gln)

Gene: GLB1 (galactosidase beta 1; minus strand). Cytogenetic location: 3p22.3.
Variant type: single nucleotide variant.
Coding change: c.203G>A on transcript NM_000404.4 (MANE Select); coding-DNA position 203, G replaced by A.
Protein change: p.Arg68Gln; replaces arginine 68 with glutamine.
Molecular consequence: missense variant.
Genome position (GRCh38, 1-based): chr3:33,072,586, C>T on the plus strand (G>A on the coding strand, the complement: GLB1 is on the minus strand). VCF-style: chr3-33072586-C-T. GRCh37 (hg19) VCF-style: chr3-33114078-C-T.
Other names: c.113G>A, p.Arg38Gln (NM_001079811.3); c.203G>A, p.Arg68Gln (NM_001135602.3, NM_001393580.1); c.347G>A, p.Arg116Gln (NM_001317040.2); short protein forms R68Q, R116Q, R38Q.
Identifiers: ClinVar variation 195074 (VCV000195074.14), dbSNP rs572237881, ClinGen allele CA201542.

ClinVar aggregate classification (germline): Pathogenic/Likely pathogenic. Review status: criteria provided, multiple submitters, no conflicts (2 of 4 stars). 7 submissions from 7 submitters: Pathogenic (3); Likely pathogenic (3). 1 of the submissions does not count toward it. Last evaluated 2025-10-17.

Conditions:
GM1 gangliosidosis type 3. Also called: Beta-galactosidase deficiency; Adult GM1 gangliosidosis; Type 3 (adult) GM1 gangliosidosis; Gangliosidosis, Generalized GM1, Type 3; GANGLIOSIDOSIS, GENERALIZED GM1, ADULT TYPE; GANGLIOSIDOSIS, GENERALIZED GM1, CHRONIC TYPE. Identifiers: Orphanet 79257, MedGen C0268273, MONDO:0009262, OMIM 230650.
Mucopolysaccharidosis, MPS-IV-B (MPS4B). Also called: Mucopolysaccharidosis Type IVB; Mucopolysaccharidosis type IV B; Mucopolysaccharidosis Type IVB (Morquio B Disease); Mucopolysaccharidosis type IVB (Morquio); MPS IVB; Mucopolysaccharidosis type 4B. Identifiers: Orphanet 309310, Orphanet 582, MedGen C0086652, MONDO:0009660, OMIM 253010.
GM1 gangliosidosis type 2. Also called: Gangliosidosis, Generalized GM1, Type 2; GANGLIOSIDOSIS, GENERALIZED GM1, JUVENILE TYPE; GANGLIOSIDOSIS, GENERALIZED GM1, TYPE II; GM1-GANGLIOSIDOSIS, TYPE II; Juvenile GM>1< gangliosidosis. Identifiers: Orphanet 354, Orphanet 79256, MedGen C0268272, MONDO:0009261, OMIM 230600.
Infantile GM1 gangliosidosis. Also called: GM1-gangliosidosis, type I; Gangliosidosis, generalized GM1, infantile form; GLB1 deficiency; GM1 gangliosidosis type 1; Gangliosidosis, Generalized GM1, Type 1. Identifiers: Orphanet 354, Orphanet 79255, MedGen C0268271, MONDO:0009260, OMIM 230500.
GM1 gangliosidosis. Identifiers: Orphanet 354, MedGen C0085131, MONDO:0018149.

Allele frequency attached by ClinVar (database versions not stated): gnomAD exomes 0.00001; ExAC 0.00002; gnomAD 0.00002 and 0.00003; TOPMed 0.00004; 1000 Genomes Project 0.00020; 1000 Genomes Project 30x 0.00031.
gnomAD v4.1: 12 of 1,613,946 alleles (0.00074%); highest among the groups gnomAD compares: African/African-American, 0.004%; no homozygotes.

Submissions (7):

Labcorp Genetics (formerly Invitae), Labcorp
Classification: Pathogenic for Mucopolysaccharidosis, MPS-IV-B; GM1 gangliosidosis. Last evaluated: 2025-10-17. Review status: criteria provided, single submitter. Criteria: Invitae Variant Classification Sherloc (09022015). Collection method: clinical testing. Allele origin: germline.
Comment: This sequence change replaces arginine, which is basic and polar, with glutamine, which is neutral and polar, at codon 68 of the GLB1 protein (p.Arg68Gln). This variant is present in population databases (rs572237881, gnomAD 0.01%). This missense change has been observed in individual(s) with GM1 gangliosidosis (PMID: 19472408, 29439846). ClinVar contains an entry for this variant (Variation ID: 195074). Invitae Evidence Modeling of protein sequence and biophysical properties (such as structural, functional, and spatial information, amino acid conservation, physicochemical variation, residue mobility, and thermodynamic stability) indicates that this missense variant is expected to disrupt GLB1 protein function with a positive predictive value of 95%. Experimental studies have shown that this missense change affects GLB1 function (PMID: 19472408). This variant disrupts the p.Arg68 amino acid residue in GLB1. Other variant(s) that disrupt this residue have been determined to be pathogenic (PMID: 12644936, 25936995; internal data). This suggests that this residue is clinically significant, and that variants that disrupt this residue are likely to be disease-causing. For these reasons, this variant has been classified as Pathogenic.

First Genomix Gene Laboratory, Genetic Diagnostics Department
Classification: Pathogenic for Infantile GM1 gangliosidosis; GM1 gangliosidosis type 2; GM1 gangliosidosis type 3; Mucopolysaccharidosis, MPS-IV-B. Last evaluated: 2025-04-15. Review status: criteria provided, single submitter. Criteria: ACMG Guidelines, 2015. Collection method: clinical testing. Allele origin: germline. Inheritance: Autosomal recessive inheritance. Affected: no. Observed: 1 variant allele.

Natera, Inc.
Classification: Likely pathogenic for Mucopolysaccharidosis, MPS-IV-B. Last evaluated: 2024-05-20. Review status: criteria provided, single submitter. Criteria: Natera Variant Classification Schema (03/2026). Collection method: clinical testing. Allele origin: germline.
Comment: The c.203G>A variant in GLB1 is a missense variant predicted to cause substitution of arginine to glutamine at amino acid 68. This variant is rare in the general population with a frequency below the threshold expected for the associated phenotype(s). This variant has been observed in one or more individuals affected with the associated recessive disease, as either homozygous or compound heterozygous with a second variant (PMID: 19472408, 29439846). A different variant at the same position has been determined to be Pathogenic or Likely Pathogenic. Computational prediction algorithms indicate this variant is likely to affect gene or protein function. Given the available evidence, this variant is classified as Likely Pathogenic.

Fulgent Genetics
Classification: Likely pathogenic for Infantile GM1 gangliosidosis; GM1 gangliosidosis type 2; GM1 gangliosidosis type 3; Mucopolysaccharidosis, MPS-IV-B. Last evaluated: 2024-01-07. Review status: criteria provided, single submitter. Criteria: ACMG Guidelines, 2015. Collection method: clinical testing. Allele origin: germline.

Women's Health and Genetics/Laboratory Corporation of America, LabCorp
Classification: Likely pathogenic for GM1 gangliosidosis. Last evaluated: 2020-06-22. Review status: criteria provided, single submitter. Criteria: LabCorp Variant Classification Summary - May 2015. Collection method: clinical testing. Allele origin: germline.
Comment: Variant summary: GLB1 c.203G>A (p.Arg68Gln) results in a conservative amino acid change located in the Glycoside hydrolase 35, catalytic domain of the encoded protein sequence. Four of five in-silico tools predict a damaging effect of the variant on protein function. The variant allele was found at a frequency of 8e-06 in 249456 control chromosomes. c.203G>A has been reported in the literature in at least one individual affected with GM1 Gangliosidosis (Hofer_2009). These data do not allow any conclusion about variant significance. At least one publication reports experimental evidence evaluating an impact on protein function. The most pronounced variant effect results in <10% of normal activity (Hofer_2009). Two clinical diagnostic laboratories have submitted clinical-significance assessments for this variant to ClinVar after 2014 without evidence for independent evaluation. One laboratory classified the variant as pathogenic, and one laboratory classified the variant as uncertain significance. In addition, p.R68W has been reported to associate with Gangliosidosis GM1 (HGMD database), indicating R68 is critical for GLB1 function. Based on the evidence outlined above, the variant was classified as likely pathogenic.

Eurofins Ntd Llc (ga)
Classification: Pathogenic. Last evaluated: 2015-02-19. Review status: criteria provided, single submitter. Criteria: EGL Classification Definitions 2015. Collection method: clinical testing. Allele origin: germline. Observed: 2 variant alleles, 2 heterozygotes.

Counsyl
Classification: Uncertain significance for Infantile GM1 gangliosidosis; GM1 gangliosidosis type 2; GM1 gangliosidosis type 3; Mucopolysaccharidosis, MPS-IV-B. Last evaluated: 2018-04-10. Review status: no assertion criteria provided. Collection method: clinical testing. Allele origin: unknown. Not counted in ClinVar's aggregate classification.

Literature cited by the submitters: PubMed 19472408 (cited by 3 submitters); PubMed 29439846 (cited by Labcorp Genetics (formerly Invitae), Labcorp and Natera, Inc.); PubMed 12644936 (cited by Labcorp Genetics (formerly Invitae), Labcorp); PubMed 25936995 (cited by Labcorp Genetics (formerly Invitae), Labcorp); PubMed 22128166 (cited by Women's Health and Genetics/Laboratory Corporation of America, LabCorp).